The following is an entry in ClinVar:

NM_144687.4(NLRP12):c.2771G>A (p.Arg924Gln)

Gene: NLRP12 (NLR family pyrin domain containing 12; minus strand). Cytogenetic location: 19q13.42.
Variant type: single nucleotide variant.
Coding change: c.2771G>A on transcript NM_144687.4 (MANE Select); coding-DNA position 2771, G replaced by A.
Protein change: p.Arg924Gln; replaces arginine 924 with glutamine.
Molecular consequence: missense variant. On other transcripts: intron variant (1).
Genome position (GRCh38, 1-based): chr19:53,798,399, C>T on the plus strand (G>A on the coding strand, the complement: NLRP12 is on the minus strand). VCF-style: chr19-53798399-C-T. GRCh37 (hg19) VCF-style: chr19-54301653-C-T.
Other names: c.2774G>A, p.Arg925Gln (NM_001277126.2); c.2757-2370G>A (NM_001277129.1); short protein forms R925Q, R924Q.
Identifiers: ClinVar variation 665575 (VCV000665575.41), dbSNP rs570948263, ClinGen allele CA9638905.

ClinVar aggregate classification (germline): Uncertain significance. Review status: criteria provided, multiple submitters, no conflicts (2 of 4 stars). 2 submissions from 2 submitters: Uncertain significance (2). Last evaluated 2025-10-06.

Conditions:
Familial cold autoinflammatory syndrome 2 (FCAS2). Identifiers: Orphanet 247868, MedGen C2673198, MONDO:0012724, OMIM 611762.

Allele frequency attached by ClinVar (database versions not stated): 1000 Genomes Project 30x 0.00016; 1000 Genomes Project 0.00020; ExAC 0.00002; TOPMed 0.00003; gnomAD exomes 0.00004; gnomAD 0.00005.
gnomAD v4.1: 27 of 1,614,030 alleles (0.0017%); highest among the groups gnomAD compares: African/African-American, 0.008%; no homozygotes.

Submissions (2):

Labcorp Genetics (formerly Invitae), Labcorp
Classification: Uncertain significance for Familial cold autoinflammatory syndrome 2. Last evaluated: 2025-10-06. Review status: criteria provided, single submitter. Criteria: Invitae Variant Classification Sherloc (09022015). Collection method: clinical testing. Allele origin: germline.
Comment: This sequence change replaces arginine, which is basic and polar, with glutamine, which is neutral and polar, at codon 924 of the NLRP12 protein (p.Arg924Gln). This variant is present in population databases (rs570948263, gnomAD 0.008%). This variant has not been reported in the literature in individuals affected with NLRP12-related conditions. ClinVar contains an entry for this variant (Variation ID: 665575). Invitae Evidence Modeling of protein sequence and biophysical properties (such as structural, functional, and spatial information, amino acid conservation, physicochemical variation, residue mobility, and thermodynamic stability) indicates that this missense variant is not expected to disrupt NLRP12 protein function with a negative predictive value of 80%. In summary, the available evidence is currently insufficient to determine the role of this variant in disease. Therefore, it has been classified as a Variant of Uncertain Significance.

CeGaT Center for Human Genetics Tuebingen
Classification: Uncertain significance. Last evaluated: 2021-10-01. Review status: criteria provided, single submitter. Criteria: CeGaT Center For Human Genetics Tuebingen Variant Classification Criteria Version 2. Collection method: clinical testing. Allele origin: germline. Affected: yes. Observed: 1 variant allele.